The following is an entry in ClinVar:

NM_001162501.2(TNRC6B):c.928G>C (p.Ala310Pro)

Gene: TNRC6B (trinucleotide repeat containing adaptor 6B; plus strand). Cytogenetic location: 22q13.1.
Variant type: single nucleotide variant.
Coding change: c.928G>C on transcript NM_001162501.2 (MANE Select); coding-DNA position 928, G replaced by C.
Protein change: p.Ala310Pro; replaces alanine 310 with proline.
Molecular consequence: missense variant. On other transcripts: intron variant (1).
Genome position (GRCh38, 1-based): chr22:40,265,158, G>C. VCF-style: chr22-40265158-G-C. GRCh37 (hg19) VCF-style: chr22-40661162-G-C.
Other names: c.928G>C, p.Ala310Pro (NM_015088.3); c.565+2985G>C (NM_001024843.2); short protein forms A310P.
Identifiers: ClinVar variation 3362182 (VCV003362182.2).

ClinVar aggregate classification (germline): Uncertain significance (1 of 4 stars; one submission).

gnomAD v4.1: 1 of 1,613,966 alleles (0.000062%); highest among the groups gnomAD compares: Non-Finnish European, 0.000085%; no homozygotes.

Submission:

GeneDx
Classification: Uncertain significance. Last evaluated: 2026-08-10. Review status: criteria provided, single submitter. Criteria: GeneDx Variant Classification Process June 2021. Collection method: clinical testing. Allele origin: germline.
Comment: Not observed at significant frequency in large population cohorts (gnomAD); In silico analysis supports that this missense variant has a deleterious effect on protein structure/function; Has not been previously published as pathogenic or benign to our knowledge